The following is an entry in ClinVar:

ClinVar aggregate classification (germline): Uncertain significance. Review status: criteria provided, multiple submitters, no conflicts (2 of 4 stars). 2 submissions from 2 submitters: Uncertain significance (2). Last evaluated 2025-10-18.

Allele frequency attached by ClinVar (database versions not stated): TOPMed 0.00001; gnomAD 0.00002; gnomAD exomes 0.00003.

Submissions (2):

Ambry Genetics
Classification: Uncertain significance. Last evaluated: 2025-10-18. Review status: criteria provided, single submitter. Criteria: Ambry Variant Classification Scheme 2023. Collection method: clinical testing. Allele origin: germline.

Labcorp Genetics (formerly Invitae), Labcorp
Classification: Uncertain significance. Last evaluated: 2023-06-06. Review status: criteria provided, single submitter. Criteria: Invitae Variant Classification Sherloc (09022015). Collection method: clinical testing. Allele origin: germline.
Comment: In summary, the available evidence is currently insufficient to determine the role of this variant in disease. Therefore, it has been classified as a Variant of Uncertain Significance. An algorithm developed to predict the effect of missense changes on protein structure and function (PolyPhen-2) suggests that this variant is likely to be disruptive. ClinVar contains an entry for this variant (Variation ID: 1402550). This variant has not been reported in the literature in individuals affected with PLEKHM2-related conditions. The frequency data for this variant in the population databases is considered unreliable, as metrics indicate poor data quality at this position in the gnomAD database. This sequence change replaces asparagine, which is neutral and polar, with serine, which is neutral and polar, at codon 270 of the PLEKHM2 protein (p.Asn270Ser).

NM_015164.4(PLEKHM2):c.809A>G (p.Asn270Ser)

Gene: PLEKHM2 (pleckstrin homology and RUN domain containing M2; plus strand). Cytogenetic location: 1p36.21.
Variant type: single nucleotide variant.
Coding change: c.809A>G on transcript NM_015164.4 (MANE Select); coding-DNA position 809, A replaced by G.
Protein change: p.Asn270Ser; replaces asparagine 270 with serine.
Molecular consequence: missense variant.
Genome position (GRCh38, 1-based): chr1:15,725,413, A>G. VCF-style: chr1-15725413-A-G. GRCh37 (hg19) VCF-style: chr1-16051908-A-G.
Other names: c.809A>G (NM_015164.2); short protein forms N270S.
Identifiers: ClinVar variation 1402550 (VCV001402550.7), dbSNP rs1427860287, ClinGen allele CA338582886.
Genomic context (GRCh38, chr1:15,725,413, plus strand): 5'-CCACAGCCTCCGACCTGACCAGCAGCAAGGCCTCCACCAGGAGCCCCACCCAGCGCCAGA[A>G]CCCCTTCAACGAGGAGCCGGCAGAGACTGTGTCCTCCTCTGACACCACCCCCGTGCACAC-3'
Protein context (NP_055979.2, residues 260-280): ASTRSPTQRQ[Asn270Ser]PFNEEPAETV